The following is an entry in ClinVar:

NM_000535.7(PMS2):c.2293G>C (p.Ala765Pro)

Gene: PMS2 (PMS1 homolog 2, mismatch repair system component; minus strand). Cytogenetic location: 7p22.1.
Variant type: single nucleotide variant.
Coding change: c.2293G>C on transcript NM_000535.7 (MANE Select); coding-DNA position 2293, G replaced by C.
Protein change: p.Ala765Pro; replaces alanine 765 with proline.
Molecular consequence: missense variant.
Genome position (GRCh38, 1-based): chr7:5,977,740, C>G on the plus strand (G>C on the coding strand, the complement: PMS2 is on the minus strand). VCF-style: chr7-5977740-C-G. GRCh37 (hg19) VCF-style: chr7-6017371-C-G.
Other names: c.1888G>C, p.Ala630Pro (NM_001322003.2, NM_001322004.2, NM_001322005.2); c.2137G>C, p.Ala713Pro (NM_001322006.2); c.1975G>C, p.Ala659Pro (NM_001322007.2, NM_001322008.2); c.1921G>C, p.Ala641Pro (NM_001322009.2); c.1732G>C, p.Ala578Pro (NM_001322010.2); c.1360G>C, p.Ala454Pro (NM_001322011.2, NM_001322012.2); c.1720G>C, p.Ala574Pro (NM_001322013.2); c.2326G>C, p.Ala776Pro (NM_001322014.2); and 1 more; short protein forms A574P, A713P, A454P, A641P, A662P, A776P, A578P, A630P.
Identifiers: ClinVar variation 1347070 (VCV001347070.8), dbSNP rs2128675666, ClinGen allele CA366736117.
Genomic context (GRCh38, chr7:5,977,740, plus strand): 5'-CATCGACGTCCTGGGGTCCGAAGGTCCAGTTTTTACTAGTTGGCAAGGAAATCAGTTTAG[C>G]CCTTTCAGTGACTGGAGCTAAAAGAATACAATTTTGAGAAAAATCCATGACTTGACAAAC-3'
Protein context (NP_000526.2, residues 755-775): IDENAPVTER[Ala765Pro]KLISLPTSKN

ClinVar aggregate classification (germline): Uncertain significance (1 of 4 stars; one submission).

Conditions:
Hereditary nonpolyposis colorectal neoplasms. Identifiers: MedGen C0009405, MeSH D003123.

gnomAD v4.1: 1 of 1,606,236 alleles (0.000062%); highest among the groups gnomAD compares: Non-Finnish European, 0.000085%; no homozygotes.

Submission:

Labcorp Genetics (formerly Invitae), Labcorp
Classification: Uncertain significance for Hereditary nonpolyposis colorectal neoplasms. Last evaluated: 2026-01-19. Review status: criteria provided, single submitter. Criteria: Invitae Variant Classification Sherloc (09022015). Collection method: clinical testing. Allele origin: germline.
Comment: This sequence change replaces alanine, which is neutral and non-polar, with proline, which is neutral and non-polar, at codon 765 of the PMS2 protein (p.Ala765Pro). The frequency data for this variant in the population databases (gnomAD) is considered unreliable due to the presence of homologous sequence, such as pseudogenes or paralogs, in the genome. This variant has not been reported in the literature in individuals affected with PMS2-related conditions. ClinVar contains an entry for this variant (Variation ID: 1347070). Invitae Evidence Modeling incorporating data from in vitro experimental studies (internal data) indicates that this missense variant is not expected to disrupt PMS2 function with a negative predictive value of 95%. In summary, the available evidence is currently insufficient to determine the role of this variant in disease. Therefore, it has been classified as a Variant of Uncertain Significance.